The following is an entry in ClinVar:

ClinVar aggregate classification (germline): Conflicting classifications of pathogenicity. Review status: criteria provided, conflicting classifications (1 of 4 stars). 4 submissions from 4 submitters: Likely pathogenic (3); Uncertain significance (1). Last evaluated 2024-11-11.

Conditions:
Familial hypokalemia-hypomagnesemia (GTLMNS). Also called: HYPOMAGNESEMIA-HYPOKALEMIA, PRIMARY RENOTUBULAR, WITH HYPOCALCIURIA; POTASSIUM AND MAGNESIUM DEPLETION; gitelman syndrome. Identifiers: Orphanet 358, MedGen C0268450, MONDO:0009904, OMIM 263800.
SLC12A3-related disorder. Also called: SLC12A3-related condition.

Allele frequency attached by ClinVar (database versions not stated): ESP Exome Variant Server 0.00008.
gnomAD v4.1: 62 of 1,611,698 alleles (0.0038%); highest among the groups gnomAD compares: East Asian, 0.031%; no homozygotes.

Submissions (4):

Blueprint Genetics
Classification: Likely pathogenic for SLC12A3-related disorders. Last evaluated: 2024-11-11. Review status: criteria provided, single submitter. Criteria: ACMG Guidelines, 2015. Collection method: clinical testing. Allele origin: germline. Affected: yes. Observed: 5 variant alleles.

Labcorp Genetics (formerly Invitae), Labcorp
Classification: Likely pathogenic. Last evaluated: 2024-06-17. Review status: criteria provided, single submitter. Criteria: Invitae Variant Classification Sherloc (09022015). Collection method: clinical testing. Allele origin: germline.
Comment: This sequence change replaces arginine, which is basic and polar, with histidine, which is basic and polar, at codon 399 of the SLC12A3 protein (p.Arg399His). This variant is present in population databases (rs13306668, gnomAD 0.03%). This variant has not been reported in the literature in individuals affected with SLC12A3-related conditions. ClinVar contains an entry for this variant (Variation ID: 1489260). Advanced modeling of protein sequence and biophysical properties (such as structural, functional, and spatial information, amino acid conservation, physicochemical variation, residue mobility, and thermodynamic stability) performed at Invitae indicates that this missense variant is expected to disrupt SLC12A3 protein function with a positive predictive value of 95%. This variant disrupts the p.Arg399 amino acid residue in SLC12A3. Other variant(s) that disrupt this residue have been determined to be pathogenic (PMID: 11168953, 17414160, 18391953, 23328711, 25165177, 26121437). This suggests that this residue is clinically significant, and that variants that disrupt this residue are likely to be disease-causing. In summary, the currently available evidence indicates that the variant is pathogenic, but additional data are needed to prove that conclusively. Therefore, this variant has been classified as Likely Pathogenic.

Baylor Genetics
Classification: Uncertain significance for Familial hypokalemia-hypomagnesemia. Last evaluated: 2023-02-01. Review status: criteria provided, single submitter. Criteria: ACMG Guidelines, 2015. Collection method: clinical testing. Allele origin: unknown.

Juno Genomics, Hangzhou Juno Genomics, Inc
Classification: Likely pathogenic for Familial hypokalemia-hypomagnesemia. Review status: criteria provided, single submitter. Criteria: ACMG Guidelines, 2015. Collection method: clinical testing. Allele origin: germline.
Comment: Absent from controls (or at extremely low frequency if recessive) in Genome Aggregation Database.;Novel missense change at an amino acid residue where a different missense change determined to be pathogenic has been seen before.;For recessive disorders, detected in trans with a pathogenic variant.;Patient's phenotype or family history is highly specific for a disease with a single genetic etiology.

Literature cited by the submitters: PubMed 11168953 (cited by Labcorp Genetics (formerly Invitae), Labcorp); PubMed 17414160 (cited by Labcorp Genetics (formerly Invitae), Labcorp); PubMed 18391953 (cited by Labcorp Genetics (formerly Invitae), Labcorp); PubMed 23328711 (cited by Labcorp Genetics (formerly Invitae), Labcorp); PubMed 25165177 (cited by Labcorp Genetics (formerly Invitae), Labcorp); PubMed 26121437 (cited by Labcorp Genetics (formerly Invitae), Labcorp).

NM_001126108.2(SLC12A3):c.1196G>A (p.Arg399His)

Gene: SLC12A3 (solute carrier family 12 member 3; plus strand). Cytogenetic location: 16q13.
Variant type: single nucleotide variant.
Coding change: c.1196G>A on transcript NM_001126108.2 (MANE Select); coding-DNA position 1196, G replaced by A.
Protein change: p.Arg399His; replaces arginine 399 with histidine.
Molecular consequence: missense variant.
Genome position (GRCh38, 1-based): chr16:56,879,088, G>A. VCF-style: chr16-56879088-G-A. GRCh37 (hg19) VCF-style: chr16-56913000-G-A.
Other names: c.1196G>A, p.Arg399His (NM_000339.3); c.1193G>A, p.Arg398His (NM_001126107.2); short protein forms R398H, R399H.
Identifiers: ClinVar variation 1489260 (VCV001489260.12), dbSNP rs13306668, ClinGen allele CA8069397.